The following is an entry in ClinVar:

NM_004385.5(VCAN):c.6884G>A (p.Ser2295Asn)

Genes: VCAN (versican; plus strand), VCAN-AS1 (VCAN antisense RNA 1; minus strand). Cytogenetic location: 5q14.3.
Variant type: single nucleotide variant.
Coding change: c.6884G>A on transcript NM_004385.5 (MANE Select); coding-DNA position 6884, G replaced by A.
Protein change: p.Ser2295Asn; replaces serine 2295 with asparagine.
Molecular consequence: missense variant. On other transcripts: intron variant (2).
Genome position (GRCh38, 1-based): chr5:83,539,887, G>A. VCF-style: chr5-83539887-G-A. GRCh37 (hg19) VCF-style: chr5-82835706-G-A.
Other names: c.3923G>A, p.Ser1308Asn (NM_001164097.2); c.4004-5650G>A (NM_001164098.2); c.1043-5650G>A (NM_001126336.3); short protein forms S1308N, S2295N.
Identifiers: ClinVar variation 1523017 (VCV001523017.8), dbSNP rs1280981297, ClinGen allele CA360313545.

ClinVar aggregate classification (germline): Uncertain significance (1 of 4 stars; one submission).

Allele frequency attached by ClinVar (database versions not stated): gnomAD exomes below 0.00001; TOPMed below 0.00001.

Submission:

Labcorp Genetics (formerly Invitae), Labcorp
Classification: Uncertain significance. Last evaluated: 2022-02-08. Review status: criteria provided, single submitter. Criteria: Invitae Variant Classification Sherloc (09022015). Collection method: clinical testing. Allele origin: germline.
Comment: This sequence change replaces serine, which is neutral and polar, with asparagine, which is neutral and polar, at codon 2295 of the VCAN protein (p.Ser2295Asn). This variant is present in population databases (no rsID available, gnomAD 0.0009%). This variant has not been reported in the literature in individuals affected with VCAN-related conditions. Algorithms developed to predict the effect of missense changes on protein structure and function output the following: SIFT: "Tolerated"; PolyPhen-2: "Benign"; Align-GVGD: "Class C0". The asparagine amino acid residue is found in multiple mammalian species, which suggests that this missense change does not adversely affect protein function. In summary, the available evidence is currently insufficient to determine the role of this variant in disease. Therefore, it has been classified as a Variant of Uncertain Significance.